The following is an entry in ClinVar:

ClinVar aggregate classification (germline): Uncertain significance. Review status: criteria provided, multiple submitters, no conflicts (2 of 4 stars). 2 submissions from 2 submitters: Uncertain significance (2). Last evaluated 2026-01-25.

Conditions:
Arrhythmogenic right ventricular dysplasia 13. Also called: Arrhythmogenic right ventricular dysplasia, familial, 13; ARRHYTHMOGENIC RIGHT VENTRICULAR CARDIOMYOPATHY 13. Identifiers: MedGen C3810138, MONDO:0000908, OMIM 615616.

Allele frequency attached by ClinVar (database versions not stated): gnomAD exomes 0.00001; TOPMed 0.00001.

Submissions (2):

Labcorp Genetics (formerly Invitae), Labcorp
Classification: Uncertain significance for Arrhythmogenic right ventricular dysplasia 13. Last evaluated: 2026-01-25. Review status: criteria provided, single submitter. Criteria: Invitae Variant Classification Sherloc (09022015). Collection method: clinical testing. Allele origin: germline.
Comment: This sequence change replaces isoleucine, which is neutral and non-polar, with threonine, which is neutral and polar, at codon 284 of the CTNNA3 protein (p.Ile284Thr). This variant is present in population databases (no rsID available, gnomAD 0.006%). This variant has not been reported in the literature in individuals affected with CTNNA3-related conditions. ClinVar contains an entry for this variant (Variation ID: 1763718). Invitae Evidence Modeling of protein sequence and biophysical properties (such as structural, functional, and spatial information, amino acid conservation, physicochemical variation, residue mobility, and thermodynamic stability) indicates that this missense variant is not expected to disrupt CTNNA3 protein function with a negative predictive value of 80%. In summary, the available evidence is currently insufficient to determine the role of this variant in disease. Therefore, it has been classified as a Variant of Uncertain Significance.

Ambry Genetics
Classification: Uncertain significance. Last evaluated: 2025-08-11. Review status: criteria provided, single submitter. Criteria: Ambry Variant Classification Scheme 2023. Collection method: clinical testing. Allele origin: germline.

NM_013266.4(CTNNA3):c.851T>C (p.Ile284Thr)

Gene: CTNNA3 (catenin alpha 3; minus strand). Cytogenetic location: 10q21.3.
Variant type: single nucleotide variant.
Coding change: c.851T>C on transcript NM_013266.4 (MANE Select); coding-DNA position 851, T replaced by C.
Protein change: p.Ile284Thr; replaces isoleucine 284 with threonine.
Molecular consequence: missense variant.
Genome position (GRCh38, 1-based): chr10:67,180,513, A>G on the plus strand (T>C on the coding strand, the complement: CTNNA3 is on the minus strand). VCF-style: chr10-67180513-A-G. GRCh37 (hg19) VCF-style: chr10-68940271-A-G.
Other names: c.851T>C, p.Ile284Thr (NM_001127384.3); c.887T>C, p.Ile296Thr (NM_001291133.2); short protein forms I284T, I296T.
Identifiers: ClinVar variation 1763718 (VCV001763718.9), dbSNP rs1385868561, ClinGen allele CA377097105.